The following is an entry in ClinVar:

NM_001555.5(IGSF1):c.113C>T (p.Pro38Leu)

Gene: IGSF1 (immunoglobulin superfamily member 1; minus strand). Cytogenetic location: Xq26.1.
Variant type: single nucleotide variant.
Coding change: c.113C>T on transcript NM_001555.5 (MANE Select); coding-DNA position 113, C replaced by T.
Protein change: p.Pro38Leu; replaces proline 38 with leucine.
Molecular consequence: missense variant.
Genome position (GRCh38, 1-based): chrX:131,286,033, G>A on the plus strand (C>T on the coding strand, the complement: IGSF1 is on the minus strand). VCF-style: chrX-131286033-G-A. GRCh37 (hg19) VCF-style: chrX-130420007-G-A.
Other names: c.113C>T (NM_001170961.1); c.113C>T, p.Pro38Leu (NM_001170961.2, NM_001170963.2, NM_205833.4); c.86C>T, p.Pro29Leu (NM_001170962.2); short protein forms P29L, P38L.
Identifiers: ClinVar variation 1803242 (VCV001803242.21), dbSNP rs200514048, ClinGen allele CA10518249.

ClinVar aggregate classification (germline): Conflicting classifications of pathogenicity. Review status: criteria provided, conflicting classifications (1 of 4 stars). 3 submissions from 3 submitters: Uncertain significance (1); Likely benign (2). Last evaluated 2024-08-01.

Conditions:
X-linked central congenital hypothyroidism with late-onset testicular enlargement. Also called: HYPOTHYROIDISM, CENTRAL, WITH TESTICULAR ENLARGEMENT; Hypothyroidism, central, and testicular enlargement. Identifiers: Orphanet 329235, MedGen C3550963, MONDO:0010475, OMIM 300888.
Inborn genetic diseases. Identifiers: MedGen C0950123, MeSH D030342.

Allele frequency attached by ClinVar (database versions not stated): TOPMed 0.00004; gnomAD 0.00005; ExAC 0.00016; gnomAD exomes 0.00020.

Submissions (3):

CeGaT Center for Human Genetics Tuebingen
Classification: Likely benign. Last evaluated: 2024-08-01. Review status: criteria provided, single submitter. Criteria: CeGaT Center For Human Genetics Tuebingen Variant Classification Criteria Version 2. Collection method: clinical testing. Allele origin: germline. Affected: yes. Observed: 1 variant allele.
Comment: IGSF1: BP4, BS2

Ambry Genetics
Classification: Likely benign for Inborn genetic diseases. Last evaluated: 2022-12-19. Review status: criteria provided, single submitter. Criteria: Ambry Variant Classification Scheme 2023. Collection method: clinical testing. Allele origin: germline.

Genetics and Molecular Pathology, SA Pathology
Classification: Uncertain significance for X-linked central congenital hypothyroidism with late-onset testicular enlargement. Last evaluated: 2022-01-10. Review status: criteria provided, single submitter. Criteria: ACMG Guidelines, 2015. Collection method: clinical testing. Allele origin: germline. Inheritance: X-linked recessive inheritance. Affected: yes.